The following is an entry in ClinVar:

ClinVar aggregate classification (germline): Conflicting classifications of pathogenicity. Review status: criteria provided, conflicting classifications (1 of 4 stars). 2 submissions from 2 submitters: Likely pathogenic (1); Uncertain significance (1). Last evaluated 2025-04-28.

Submissions (2):

Labcorp Genetics (formerly Invitae), Labcorp
Classification: Uncertain significance. Last evaluated: 2025-04-28. Review status: criteria provided, single submitter. Criteria: Invitae Variant Classification Sherloc (09022015). Collection method: clinical testing. Allele origin: germline.
Comment: This sequence change replaces serine, which is neutral and polar, with proline, which is neutral and non-polar, at codon 612 of the KIF11 protein (p.Ser612Pro). This variant is not present in population databases (gnomAD no frequency). This variant has not been reported in the literature in individuals affected with KIF11-related conditions. ClinVar contains an entry for this variant (Variation ID: 1036187). Invitae Evidence Modeling of protein sequence and biophysical properties (such as structural, functional, and spatial information, amino acid conservation, physicochemical variation, residue mobility, and thermodynamic stability) has been performed for this missense variant. However, the output from this modeling did not meet the statistical confidence thresholds required to predict the impact of this variant on KIF11 protein function. In summary, the available evidence is currently insufficient to determine the role of this variant in disease. Therefore, it has been classified as a Variant of Uncertain Significance.

GeneDx
Classification: Likely pathogenic. Last evaluated: 2022-06-08. Review status: criteria provided, single submitter. Criteria: GeneDx Variant Classification Process June 2021. Collection method: clinical testing. Allele origin: germline. Affected: yes.
Comment: Not observed at significant frequency in large population cohorts (gnomAD); In silico analysis supports that this missense variant does not alter protein structure/function; Has not been previously published as pathogenic or benign to our knowledge

NM_004523.4(KIF11):c.1834T>C (p.Ser612Pro)

Gene: KIF11 (kinesin family member 11; plus strand). Cytogenetic location: 10q23.33.
Variant type: single nucleotide variant.
Coding change: c.1834T>C on transcript NM_004523.4 (MANE Select); coding-DNA position 1834, T replaced by C.
Protein change: p.Ser612Pro; replaces serine 612 with proline.
Molecular consequence: missense variant.
Genome position (GRCh38, 1-based): chr10:92,633,754, T>C. VCF-style: chr10-92633754-T-C. GRCh37 (hg19) VCF-style: chr10-94393511-T-C.
Other names: short protein forms S612P.
Identifiers: ClinVar variation 1036187 (VCV001036187.15), dbSNP rs1844763810, ClinGen allele CA377592803.